The following is an entry in ClinVar:

NM_001376.5(DYNC1H1):c.11578A>G (p.Thr3860Ala)

Gene: DYNC1H1 (dynein cytoplasmic 1 heavy chain 1; plus strand). Cytogenetic location: 14q32.31.
Variant type: single nucleotide variant.
Coding change: c.11578A>G on transcript NM_001376.5 (MANE Select); coding-DNA position 11578, A replaced by G.
Protein change: p.Thr3860Ala; replaces threonine 3860 with alanine.
Molecular consequence: missense variant.
Genome position (GRCh38, 1-based): chr14:102,039,529, A>G. VCF-style: chr14-102039529-A-G. GRCh37 (hg19) VCF-style: chr14-102505866-A-G.
Other names: short protein forms T3860A.
Identifiers: ClinVar variation 4767151 (VCV004767151.1).

ClinVar aggregate classification (germline): Uncertain significance (1 of 4 stars; one submission).

Conditions:
Charcot-Marie-Tooth disease axonal type 2O. Also called: CHARCOT-MARIE-TOOTH NEUROPATHY, AXONAL, TYPE 2O; CHARCOT-MARIE-TOOTH DISEASE, AXONAL, AUTOSOMAL DOMINANT, TYPE 2O; Charcot-Marie-Tooth Neuropathy Type 2O; Charcot-Marie-Tooth disease, axonal, type 20. Identifiers: Orphanet 284232, MedGen C3280220, MONDO:0013644, OMIM 614228.

Submission:

Labcorp Genetics (formerly Invitae), Labcorp
Classification: Uncertain significance for Charcot-Marie-Tooth disease axonal type 2O. Last evaluated: 2025-10-11. Review status: criteria provided, single submitter. Criteria: Invitae Variant Classification Sherloc (09022015). Collection method: clinical testing. Allele origin: germline.
Comment: This sequence change replaces threonine, which is neutral and polar, with alanine, which is neutral and non-polar, at codon 3860 of the DYNC1H1 protein (p.Thr3860Ala). This variant is not present in population databases (gnomAD no frequency). This variant has not been reported in the literature in individuals affected with DYNC1H1-related conditions. Invitae Evidence Modeling of protein sequence and biophysical properties (such as structural, functional, and spatial information, amino acid conservation, physicochemical variation, residue mobility, and thermodynamic stability) indicates that this missense variant is not expected to disrupt DYNC1H1 protein function with a negative predictive value of 95%. In summary, the available evidence is currently insufficient to determine the role of this variant in disease. Therefore, it has been classified as a Variant of Uncertain Significance.